The following is an entry in ClinVar:

NM_198994.3(TGM6):c.756C>T (p.Arg252=)

Gene: TGM6 (transglutaminase 6; plus strand). Cytogenetic location: 20p13.
Variant type: single nucleotide variant.
Coding change: c.756C>T on transcript NM_198994.3 (MANE Select); coding-DNA position 756, C replaced by T.
Protein change: p.Arg252=; no amino-acid change (arginine 252 retained).
Molecular consequence: synonymous variant.
Genome position (GRCh38, 1-based): chr20:2,399,644, C>T. VCF-style: chr20-2399644-C-T. GRCh37 (hg19) VCF-style: chr20-2380290-C-T.
Other names: c.756C>T, p.Arg252= (NM_001254734.2).
Identifiers: ClinVar variation 3388769 (VCV003388769.14).

ClinVar aggregate classification (germline): Likely benign (1 of 4 stars; one submission).

gnomAD v4.1: 9 of 1,613,520 alleles (0.00056%); highest among the groups gnomAD compares: South Asian, 0.0022%; no homozygotes.

Submission:

CeGaT Center for Human Genetics Tuebingen
Classification: Likely benign. Last evaluated: 2024-09-01. Review status: criteria provided, single submitter. Criteria: CeGaT Center For Human Genetics Tuebingen Variant Classification Criteria Version 2. Collection method: clinical testing. Allele origin: germline. Affected: yes. Observed: 1 variant allele.
Comment: TGM6: BP4, BP7